The following is an entry in ClinVar:

ClinVar aggregate classification (germline): Uncertain significance. Review status: criteria provided, multiple submitters, no conflicts (2 of 4 stars). 3 submissions from 3 submitters: Uncertain significance (3). Last evaluated 2026-01-17.

Conditions:
Chédiak-Higashi syndrome (CHS). Also called: Chediak-Higashi Syndrome. Identifiers: Orphanet 167, MedGen C0007965, MONDO:0008963, OMIM 214500.
Inborn genetic diseases. Identifiers: MedGen C0950123, MeSH D030342.

Allele frequency attached by ClinVar (database versions not stated): ExAC 0.00002; gnomAD 0.00007; TOPMed 0.00009; 1000 Genomes Project 30x 0.00016; 1000 Genomes Project 0.00020.
gnomAD v4.1: 35 of 1,612,404 alleles (0.0022%); highest among the groups gnomAD compares: Admixed American, 0.023%; no homozygotes.

Submissions (3):

Labcorp Genetics (formerly Invitae), Labcorp
Classification: Uncertain significance for Chédiak-Higashi syndrome. Last evaluated: 2026-01-17. Review status: criteria provided, single submitter. Criteria: Invitae Variant Classification Sherloc (09022015). Collection method: clinical testing. Allele origin: germline.
Comment: This sequence change replaces alanine, which is neutral and non-polar, with threonine, which is neutral and polar, at codon 635 of the LYST protein (p.Ala635Thr). This variant is present in population databases (rs200044710, gnomAD 0.009%). This variant has not been reported in the literature in individuals affected with LYST-related conditions. ClinVar contains an entry for this variant (Variation ID: 947366). Invitae Evidence Modeling of protein sequence and biophysical properties (such as structural, functional, and spatial information, amino acid conservation, physicochemical variation, residue mobility, and thermodynamic stability) indicates that this missense variant is not expected to disrupt LYST protein function with a negative predictive value of 80%. In summary, the available evidence is currently insufficient to determine the role of this variant in disease. Therefore, it has been classified as a Variant of Uncertain Significance.

Mayo Clinic Laboratories, Mayo Clinic
Classification: Uncertain significance. Last evaluated: 2025-05-05. Review status: criteria provided, single submitter. Criteria: ACMG Guidelines, 2015. Collection method: clinical testing. Allele origin: germline. Observed: 1 variant allele.
Comment: BP4_moderate

Ambry Genetics
Classification: Uncertain significance for Inborn genetic diseases. Last evaluated: 2023-11-21. Review status: criteria provided, single submitter. Criteria: Ambry Variant Classification Scheme 2023. Collection method: clinical testing. Allele origin: germline.

NM_000081.4(LYST):c.1903G>A (p.Ala635Thr)

Gene: LYST (lysosomal trafficking regulator; minus strand). Cytogenetic location: 1q42.3.
Variant type: single nucleotide variant.
Coding change: c.1903G>A on transcript NM_000081.4 (MANE Select); coding-DNA position 1903, G replaced by A.
Protein change: p.Ala635Thr; replaces alanine 635 with threonine.
Molecular consequence: missense variant.
Genome position (GRCh38, 1-based): chr1:235,808,915, C>T on the plus strand (G>A on the coding strand, the complement: LYST is on the minus strand). VCF-style: chr1-235808915-C-T. GRCh37 (hg19) VCF-style: chr1-235972215-C-T.
Other names: p.Ala635Thr; c.1903G>A, p.Ala635Thr (NM_001301365.1); c.1903G>A (NM_000081.2); short protein forms A635T.
Identifiers: ClinVar variation 947366 (VCV000947366.10), dbSNP rs200044710, ClinGen allele CA1467383.